The following is an entry in ClinVar:

NM_003036.4(SKI):c.1327C>G (p.Pro443Ala)

Gene: SKI (SKI proto-oncogene; plus strand). Cytogenetic location: 1p36.32.
Variant type: single nucleotide variant.
Coding change: c.1327C>G on transcript NM_003036.4 (MANE Select); coding-DNA position 1327, C replaced by G.
Protein change: p.Pro443Ala; replaces proline 443 with alanine.
Molecular consequence: missense variant.
Genome position (GRCh38, 1-based): chr1:2,303,955, C>G. VCF-style: chr1-2303955-C-G. GRCh37 (hg19) VCF-style: chr1-2235394-C-G.
Other names: short protein forms P443A.
Identifiers: ClinVar variation 662527 (VCV000662527.10), dbSNP rs1569860183, ClinGen allele CA337955220.

ClinVar aggregate classification (germline): Uncertain significance. Review status: criteria provided, multiple submitters, no conflicts (2 of 4 stars). 2 submissions from 2 submitters: Uncertain significance (2). Last evaluated 2022-07-08.

Conditions:
Shprintzen-Goldberg syndrome (SGS). Also called: Marfanoid disorder with craniosynostosis type 1; Marfanoid craniosynostosis syndrome; Shprintzen-Goldberg marfanoid syndrome; SHPRINTZEN-GOLDBERG CRANIOSYNOSTOSIS SYNDROME; CRANIOSYNOSTOSIS WITH ARACHNODACTYLY AND ABDOMINAL HERNIAS. Identifiers: Orphanet 2462, MedGen C1321551, MONDO:0008426, OMIM 182212.
Familial thoracic aortic aneurysm and aortic dissection (TAAD). Also called: Thoracic aortic aneurysms and dissections. Identifiers: Orphanet 91387, MedGen C4707243, MONDO:0019625.

Submissions (2):

Ambry Genetics
Classification: Uncertain significance for Familial thoracic aortic aneurysm and aortic dissection. Last evaluated: 2022-07-08. Review status: criteria provided, single submitter. Criteria: Ambry Variant Classification Scheme 2023. Collection method: clinical testing. Allele origin: germline.
Comment: The p.P443A variant (also known as c.1327C>G), located in coding exon 4 of the SKI gene, results from a C to G substitution at nucleotide position 1327. The proline at codon 443 is replaced by alanine, an amino acid with highly similar properties. This amino acid position is conserved. In addition, this alteration is predicted to be tolerated by in silico analysis. Since supporting evidence is limited at this time, the clinical significance of this alteration remains unclear.

Labcorp Genetics (formerly Invitae), Labcorp
Classification: Uncertain significance for Shprintzen-Goldberg syndrome. Last evaluated: 2018-08-06. Review status: criteria provided, single submitter. Criteria: Invitae Variant Classification Sherloc (09022015). Collection method: clinical testing. Allele origin: germline.
Comment: This sequence change replaces proline with alanine at codon 443 of the SKI protein (p.Pro443Ala). The proline residue is moderately conserved and there is a small physicochemical difference between proline and alanine. This variant is not present in population databases (ExAC no frequency). This variant has not been reported in the literature in individuals with SKI-related disease. Algorithms developed to predict the effect of missense changes on protein structure and function (SIFT, PolyPhen-2, Align-GVGD) all suggest that this variant is likely to be tolerated, but these predictions have not been confirmed by published functional studies and their clinical significance is uncertain. In summary, the available evidence is currently insufficient to determine the role of this variant in disease. Therefore, it has been classified as a Variant of Uncertain Significance.